The following is an entry in ClinVar:

NM_020759.3(STARD9):c.3323C>G (p.Ser1108Ter)

Gene: STARD9 (StAR related lipid transfer domain containing 9; plus strand). Cytogenetic location: 15q15.2.
Variant type: single nucleotide variant.
Coding change: c.3323C>G on transcript NM_020759.3 (MANE Select); coding-DNA position 3323, C replaced by G.
Protein change: p.Ser1108Ter; replaces serine 1108 with a stop codon.
Molecular consequence: nonsense.
Genome position (GRCh38, 1-based): chr15:42,684,901, C>G. VCF-style: chr15-42684901-C-G. GRCh37 (hg19) VCF-style: chr15-42977099-C-G.
Other names: short protein forms S1108*.
Identifiers: ClinVar variation 1334521 (VCV001334521.4), dbSNP rs2140227873, ClinGen allele CA392037454.

ClinVar aggregate classification (germline): Uncertain significance (1 of 4 stars; one submission).

gnomAD v4.1: 1 of 1,537,074 alleles (0.000065%); highest among the groups gnomAD compares: Non-Finnish European, 0.000087%; no homozygotes.

Submission:

Greenwood Genetic Center Diagnostic Laboratories, Greenwood Genetic Center
Classification: Uncertain significance. Last evaluated: 2021-07-30. Review status: criteria provided, single submitter. Criteria: ACMG Guidelines, 2015. Collection method: clinical testing. Allele origin: germline. Affected: yes.
Comment: PM2